The following is an entry in ClinVar:

NM_000383.4(AIRE):c.1215G>A (p.Pro405=)

Gene: AIRE (autoimmune regulator; plus strand). Cytogenetic location: 21q22.3.
Variant type: single nucleotide variant.
Coding change: c.1215G>A on transcript NM_000383.4 (MANE Select); coding-DNA position 1215, G replaced by A.
Protein change: p.Pro405=; no amino-acid change (proline 405 retained).
Molecular consequence: synonymous variant.
Genome position (GRCh38, 1-based): chr21:44,293,112, G>A. VCF-style: chr21-44293112-G-A. GRCh37 (hg19) VCF-style: chr21-45712995-G-A.
Other names: p.Pro405=.
Identifiers: ClinVar variation 458613 (VCV000458613.16), dbSNP rs72650676, ClinGen allele CA10051994.
Genomic context (GRCh38, chr21:44,293,112, plus strand): 5'-AGCCGGCATGGACACGACTCTTGTCTACAAGCACCTGCCGGCTCCGCCTTCTGCAGCCCC[G>A]CTGCCAGGGCTGGACTCCTCGGCCCTGCACCCCCTACTGTGTGTGGGTCCTGAGGGTCAG-3'
Protein context (NP_000374.1, residues 395-415): KHLPAPPSAA[Pro405=]LPGLDSSALH

ClinVar aggregate classification (germline): Benign/Likely benign. Review status: criteria provided, multiple submitters, no conflicts (2 of 4 stars). 4 submissions from 4 submitters: Benign (1); Likely benign (3). Last evaluated 2026-01-26.

Conditions:
Polyglandular autoimmune syndrome, type 1 (APS1). Also called: Autoimmune polyendocrine syndrome type 1; Autoimmune polyendocrinopathy syndrome, type I; Autoimmune polyendocrinopathy syndrome , type I, with or without reversible metaphyseal dysplasia; HYPOADRENOCORTICISM WITH HYPOPARATHYROIDISM AND SUPERFICIAL MONILIASIS; AUTOIMMUNE POLYENDOCRINE SYNDROME, TYPE I, WITH OR WITHOUT REVERSIBLE METAPHYSEAL DYSPLASIA; APS I. Identifiers: Orphanet 3453, MedGen C0085859, MONDO:0009411, OMIM 240300.

Allele frequency attached by ClinVar (database versions not stated): 1000 Genomes Project 30x 0.00016; 1000 Genomes Project 0.00020; gnomAD 0.00045 and 0.00078; gnomAD exomes 0.00047 and 0.00092; ExAC 0.00076; ESP Exome Variant Server 0.00077; TOPMed 0.00151.
gnomAD v4.1: 1,444 of 1,603,960 alleles (0.09%); highest among the groups gnomAD compares: Non-Finnish European, 0.11%; 3 homozygotes.

Submissions (4):

Labcorp Genetics (formerly Invitae), Labcorp
Classification: Likely benign for Polyglandular autoimmune syndrome, type 1. Last evaluated: 2026-01-26. Review status: criteria provided, single submitter. Criteria: Invitae Variant Classification Sherloc (09022015). Collection method: clinical testing. Allele origin: germline.

Blueprint Genetics
Classification: Likely benign. Last evaluated: 2024-11-13. Review status: criteria provided, single submitter. Criteria: ACMG Guidelines, 2015. Collection method: clinical testing. Allele origin: germline.

Mayo Clinic Laboratories, Mayo Clinic
Classification: Benign. Last evaluated: 2024-06-24. Review status: criteria provided, single submitter. Criteria: ACMG Guidelines, 2015. Collection method: clinical testing. Allele origin: germline. Observed: 2 variant alleles.
Comment: BS1, BS2, BP4, BP7

GeneDx
Classification: Likely benign. Last evaluated: 2021-02-02. Review status: criteria provided, single submitter. Criteria: GeneDx Variant Classification Process June 2021. Collection method: clinical testing. Allele origin: germline. Affected: yes.